The following is an entry in ClinVar:

NM_001378457.1(DMXL2):c.1845_1853dup (p.Ile617_Asp618insGluHisIle)

Gene: DMXL2 (Dmx like 2; minus strand). Cytogenetic location: 15q21.2.
Variant type: Duplication.
Coding change: c.1845_1853dup on transcript NM_001378457.1 (MANE Select); coding-DNA positions 1845 to 1853, 9 bases duplicated (ACACATAGA; older notation c.1845_1853dupACACATAGA).
Protein change: p.Ile617_Asp618insGluHisIle.
Molecular consequence: inframe insertion. On other transcripts: non-coding transcript variant (2).
Genome position (GRCh38, 1-based): chr15:51,536,627-51,536,635, TCTATGTGT duplicated on the plus strand (ACACATAGA on the coding strand, the reverse complement: DMXL2 is on the minus strand); duplicating any 9 consecutive bases within chr15:51,536,627-51,536,636 gives the same sequence; the c. name uses the placement nearest the transcript's 3' end. VCF-style (leftmost placement, unchanged base first): chr15-51536626-A-ATCTATGTGT. GRCh37 (hg19) VCF-style: chr15-51828823-A-ATCTATGTGT.
Other names: c.1845_1853dup, p.Ile617_Asp618insGluHisIle (NM_001174116.3, NM_001174117.3, NM_001378458.1 and 6 more transcripts); c.1605_1613dup, p.Ile537_Asp538insGluHisIle (NM_001378464.1).
Identifiers: ClinVar variation 1305521 (VCV001305521.3), dbSNP rs1469022960, ClinGen allele CA713599370.
Genomic context (GRCh38, chr15:51,536,626, plus strand): 5'-TAGAACAGTGGTAAAGGCAGACTTATCAGCAAAAGTGACTGCCCACTGATTTAAAGAACC[A>ATCTATGTGT]TCTATGTGTTTAGAGATCATCATTACTGTGGGAGCTAAGATGTTCATATGTGTACTGTGG-3'

ClinVar aggregate classification (germline): Uncertain significance. Review status: criteria provided, multiple submitters, no conflicts (2 of 4 stars). 2 submissions from 2 submitters: Uncertain significance (2). Last evaluated 2022-06-05.

Submissions (2):

Labcorp Genetics (formerly Invitae), Labcorp
Classification: Uncertain significance. Last evaluated: 2022-06-05. Review status: criteria provided, single submitter. Criteria: Invitae Variant Classification Sherloc (09022015). Collection method: clinical testing. Allele origin: germline.
Comment: This variant, c.1845_1853dup, results in the insertion of 3 amino acid(s) of the DMXL2 protein (p.Ile617_Asp618insGluHisIle), but otherwise preserves the integrity of the reading frame. This variant is not present in population databases (gnomAD no frequency). This variant has not been reported in the literature in individuals affected with DMXL2-related conditions. ClinVar contains an entry for this variant (Variation ID: 1305521). Experimental studies and prediction algorithms are not available or were not evaluated, and the functional significance of this variant is currently unknown. In summary, the available evidence is currently insufficient to determine the role of this variant in disease. Therefore, it has been classified as a Variant of Uncertain Significance.

GeneDx
Classification: Uncertain significance. Last evaluated: 2019-05-01. Review status: criteria provided, single submitter. Criteria: GeneDx Variant Classification Process June 2021. Collection method: clinical testing. Allele origin: germline. Affected: yes.
Comment: Not observed in large population cohorts (Lek et al., 2016); In-frame insertion of 3 amino acids in a non-repeat region; Has not been previously published as pathogenic or benign to our knowledge; Variants in candidate genes are classified as variants of uncertain significance in accordance with ACMG guidelines (Richards et al., 2015)